The following is an entry in ClinVar:

NM_005245.4(FAT1):c.5684G>C (p.Gly1895Ala)

Gene: FAT1 (FAT atypical cadherin 1; minus strand). Cytogenetic location: 4q35.2.
Variant type: single nucleotide variant.
Coding change: c.5684G>C on transcript NM_005245.4 (MANE Select); coding-DNA position 5684, G replaced by C.
Protein change: p.Gly1895Ala; replaces glycine 1895 with alanine.
Molecular consequence: missense variant.
Genome position (GRCh38, 1-based): chr4:186,620,902, C>G on the plus strand (G>C on the coding strand, the complement: FAT1 is on the minus strand). VCF-style: chr4-186620902-C-G. GRCh37 (hg19) VCF-style: chr4-187542056-C-G.
Other names: short protein forms G1895A.
Identifiers: ClinVar variation 3361479 (VCV003361479.1).
Genomic context (GRCh38, chr4:186,620,902, plus strand): 5'-ATCAACTGTGAGAATGCACTTGAATCAGCATCTGTAGCATTTACTGTGATGACTTTTACT[C>G]CTTTGTATGTTGGTAACAAAAGAGATGCTTCATATAATGGCTTGGCAAACACAGGGGGGC-3'
Protein context (NP_005236.2, residues 1885-1905): EASLLLPTYK[Gly1895Ala]VKVITVNATD

ClinVar aggregate classification (germline): Uncertain significance (1 of 4 stars; one submission).

Submission:

GeneDx
Classification: Uncertain significance. Last evaluated: 2023-07-28. Review status: criteria provided, single submitter. Criteria: GeneDx Variant Classification Process June 2021. Collection method: clinical testing. Allele origin: germline. Affected: yes.
Comment: Not observed at significant frequency in large population cohorts (gnomAD); In silico analysis supports that this missense variant has a deleterious effect on protein structure/function; Has not been previously published as pathogenic or benign to our knowledge